The following is an entry in ClinVar:

ClinVar aggregate classification (germline): Uncertain significance (1 of 4 stars; one submission).

Submission:

Labcorp Genetics (formerly Invitae), Labcorp
Classification: Uncertain significance. Last evaluated: 2022-05-08. Review status: criteria provided, single submitter. Criteria: Invitae Variant Classification Sherloc (09022015). Collection method: clinical testing. Allele origin: germline.
Comment: In summary, the available evidence is currently insufficient to determine the role of this variant in disease. Therefore, it has been classified as a Variant of Uncertain Significance. Algorithms developed to predict the effect of missense changes on protein structure and function are either unavailable or do not agree on the potential impact of this missense change (SIFT: "Deleterious"; PolyPhen-2: "Possibly Damaging"; Align-GVGD: "Class C0"). This variant has not been reported in the literature in individuals affected with CTNNA1-related conditions. This variant is not present in population databases (gnomAD no frequency). This sequence change replaces glutamic acid, which is acidic and polar, with glycine, which is neutral and non-polar, at codon 492 of the CTNNA1 protein (p.Glu492Gly).

NM_001903.5(CTNNA1):c.1475A>G (p.Glu492Gly)

Gene: CTNNA1 (catenin alpha 1; plus strand). Cytogenetic location: 5q31.2.
Variant type: single nucleotide variant.
Coding change: c.1475A>G on transcript NM_001903.5 (MANE Select); coding-DNA position 1475, A replaced by G.
Protein change: p.Glu492Gly; replaces glutamic acid 492 with glycine.
Molecular consequence: missense variant.
Genome position (GRCh38, 1-based): chr5:138,917,827, A>G. VCF-style: chr5-138917827-A-G. GRCh37 (hg19) VCF-style: chr5-138253516-A-G.
Other names: c.365A>G, p.Glu122Gly (NM_001323987.1, NM_001323988.1, NM_001323989.1 and 17 more transcripts); c.1475A>G, p.Glu492Gly (NM_001290307.3, NM_001323982.2, NM_001323983.1 and 2 more transcripts); c.1166A>G, p.Glu389Gly (NM_001290309.3); c.1106A>G, p.Glu369Gly (NM_001290310.3); c.1382A>G, p.Glu461Gly (NM_001323986.2); c.26A>G, p.Glu9Gly (NM_001324006.1, NM_001324007.1, NM_001324008.1 and 2 more transcripts); c.272A>G, p.Glu91Gly (NM_001324011.1); c.122A>G, p.Glu41Gly (NM_001324012.1, NM_001324013.1); short protein forms E369G, E389G, E9G, E122G, E41G, E461G, E492G, E91G.
Identifiers: ClinVar variation 2135322 (VCV002135322.4), dbSNP rs2533589841, ClinGen allele CA361137275.